The following is an entry in ClinVar:

NM_003816.3(ADAM9):c.323C>T (p.Pro108Leu)

Gene: ADAM9 (ADAM metallopeptidase domain 9; plus strand). Cytogenetic location: 8p11.22.
Variant type: single nucleotide variant.
Coding change: c.323C>T on transcript NM_003816.3 (MANE Select); coding-DNA position 323, C replaced by T.
Protein change: p.Pro108Leu; replaces proline 108 with leucine.
Molecular consequence: missense variant. On other transcripts: non-coding transcript variant (3).
Genome position (GRCh38, 1-based): chr8:39,014,033, C>T. VCF-style: chr8-39014033-C-T. GRCh37 (hg19) VCF-style: chr8-38871552-C-T.
Other names: short protein forms P108L.
Identifiers: ClinVar variation 1407840 (VCV001407840.3), dbSNP rs777287822, ClinGen allele CA4721282.

ClinVar aggregate classification (germline): Uncertain significance (1 of 4 stars; one submission).

Allele frequency attached by ClinVar (database versions not stated): ExAC 0.00002; gnomAD 0.00007; gnomAD exomes 0.00002.
gnomAD v4.1: 37 of 1,612,028 alleles (0.0023%); highest among the groups gnomAD compares: African/African-American, 0.021%; no homozygotes.

Submission:

Labcorp Genetics (formerly Invitae), Labcorp
Classification: Uncertain significance. Last evaluated: 2022-07-19. Review status: criteria provided, single submitter. Criteria: Invitae Variant Classification Sherloc (09022015). Collection method: clinical testing. Allele origin: germline.
Comment: This sequence change replaces proline, which is neutral and non-polar, with leucine, which is neutral and non-polar, at codon 108 of the ADAM9 protein (p.Pro108Leu). This variant is present in population databases (rs777287822, gnomAD 0.02%). This variant has not been reported in the literature in individuals affected with ADAM9-related conditions. ClinVar contains an entry for this variant (Variation ID: 1407840). Algorithms developed to predict the effect of missense changes on protein structure and function (SIFT, PolyPhen-2, Align-GVGD) all suggest that this variant is likely to be tolerated. In summary, the available evidence is currently insufficient to determine the role of this variant in disease. Therefore, it has been classified as a Variant of Uncertain Significance.